The following is an entry in ClinVar:

ClinVar aggregate classification (germline): Likely pathogenic. Review status: criteria provided, multiple submitters, no conflicts (2 of 4 stars). 2 submissions from 2 submitters: Likely pathogenic (2). Last evaluated 2024-06-04.

Conditions:
Pyruvate dehydrogenase E3 deficiency (DLDD). Also called: Lipoamide dehydrogenase deficiency, lactic acidosis due to; MAPLE SYRUP URINE DISEASE, TYPE III; Dihydrolipoamide Dehydrogenase (E3) Deficiency; DLD DEFICIENCY; E3 DEFICIENCY; Dihydrolipoamide Dehydrogenase Deficiency. Identifiers: Orphanet 2394, Orphanet 765, MedGen C5574660, MONDO:0009529, OMIM 246900.

Allele frequency attached by ClinVar (database versions not stated): gnomAD exomes below 0.00001.
gnomAD v4.1: 1 of 1,612,262 alleles (0.000062%); highest among the groups gnomAD compares: Non-Finnish European, 0.000085%; no homozygotes.

Submissions (2):

Fulgent Genetics
Classification: Likely pathogenic for Pyruvate dehydrogenase E3 deficiency. Last evaluated: 2024-06-04. Review status: criteria provided, single submitter. Criteria: ACMG Guidelines, 2015. Collection method: clinical testing. Allele origin: germline.

Labcorp Genetics (formerly Invitae), Labcorp
Classification: Likely pathogenic for Pyruvate dehydrogenase E3 deficiency. Last evaluated: 2023-03-04. Review status: criteria provided, single submitter. Criteria: Invitae Variant Classification Sherloc (09022015). Collection method: clinical testing. Allele origin: germline.
Comment: In summary, the currently available evidence indicates that the variant is pathogenic, but additional data are needed to prove that conclusively. Therefore, this variant has been classified as Likely Pathogenic. Algorithms developed to predict the effect of sequence changes on RNA splicing suggest that this variant may disrupt the consensus splice site. This variant has not been reported in the literature in individuals affected with DLD-related conditions. This variant is not present in population databases (gnomAD no frequency). This sequence change affects a donor splice site in intron 3 of the DLD gene. It is expected to disrupt RNA splicing. Variants that disrupt the donor or acceptor splice site typically lead to a loss of protein function (PMID: 16199547), and loss-of-function variants in DLD are known to be pathogenic (PMID: 8968745, 9934985).

Literature cited by the submitters: PubMed 16199547 (cited by Labcorp Genetics (formerly Invitae), Labcorp); PubMed 8968745 (cited by Labcorp Genetics (formerly Invitae), Labcorp); PubMed 9934985 (cited by Labcorp Genetics (formerly Invitae), Labcorp).

NM_000108.5(DLD):c.198+1G>T

Gene: DLD (dihydrolipoamide dehydrogenase; plus strand). Cytogenetic location: 7q31.1.
Variant type: single nucleotide variant.
Coding change: c.198+1G>T on transcript NM_000108.5 (MANE Select); the canonical splice donor site of the intron after coding-DNA position 198, G replaced by T.
Molecular consequence: splice donor variant. On other transcripts: intron variant (1).
Genome position (GRCh38, 1-based): chr7:107,901,818, G>T. VCF-style: chr7-107901818-G-T. GRCh37 (hg19) VCF-style: chr7-107542263-G-T.
Other names: c.198+1G>T (NM_001289752.1, NM_001289751.1); c.-30-1660G>T (NM_001289750.1).
Identifiers: ClinVar variation 2842861 (VCV002842861.4), dbSNP rs1554398193, ClinGen allele CA368854827.